The following is an entry in ClinVar:

ClinVar aggregate classification (germline): Uncertain significance (1 of 4 stars; one submission).

Allele frequency attached by ClinVar (database versions not stated): gnomAD 0.00002.
gnomAD v4.1: 13 of 1,605,052 alleles (0.00081%); highest among the groups gnomAD compares: South Asian, 0.0033%; no homozygotes.

Submission:

Labcorp Genetics (formerly Invitae), Labcorp
Classification: Uncertain significance. Last evaluated: 2025-05-08. Review status: criteria provided, single submitter. Criteria: Invitae Variant Classification Sherloc (09022015). Collection method: clinical testing. Allele origin: germline.
Comment: This sequence change affects codon 250 of the POLR3F mRNA. It is a 'silent' change, meaning that it does not change the encoded amino acid sequence of the POLR3F protein. This variant also falls at the last nucleotide of exon 8, which is part of the consensus splice site for this exon. This variant is present in population databases (rs755067083, gnomAD 0.007%). This variant has not been reported in the literature in individuals affected with POLR3F-related conditions. ClinVar contains an entry for this variant (Variation ID: 2421654). Variants that disrupt the consensus splice site are a relatively common cause of aberrant splicing (PMID: 17576681, 9536098). Algorithms developed to predict the effect of sequence changes on RNA splicing suggest that this variant may disrupt the consensus splice site. In summary, the available evidence is currently insufficient to determine the role of this variant in disease. Therefore, it has been classified as a Variant of Uncertain Significance.

Literature cited by the submitters: PubMed 17576681; PubMed 9536098.

NM_006466.4(POLR3F):c.873G>A (p.Pro291=)

Gene: POLR3F (RNA polymerase III subunit F; plus strand). Cytogenetic location: 20p11.23.
Variant type: single nucleotide variant.
Coding change: c.873G>A on transcript NM_006466.4 (MANE Select); coding-DNA position 873, G replaced by A.
Protein change: p.Pro291=; no amino-acid change (proline 291 retained).
Molecular consequence: synonymous variant. On other transcripts: non-coding transcript variant (1).
Genome position (GRCh38, 1-based): chr20:18,481,810, G>A. VCF-style: chr20-18481810-G-A. GRCh37 (hg19) VCF-style: chr20-18462454-G-A.
Other names: c.750G>A, p.Pro250= (NM_001282526.2); c.729G>A, p.Pro243= (NM_001410821.1).
Identifiers: ClinVar variation 2421654 (VCV002421654.7), dbSNP rs755067083, ClinGen allele CA9777622.